The following is an entry in ClinVar:

ClinVar aggregate classification (germline): Uncertain significance (1 of 4 stars; one submission).

Conditions:
Autoimmune lymphoproliferative syndrome, type III caused by mutation in PRKCD. Identifiers: Orphanet 3261, Orphanet 664711, MedGen C3809928, MONDO:8000024, OMIM 615559.

Submission:

Labcorp Genetics (formerly Invitae), Labcorp
Classification: Uncertain significance for Autoimmune lymphoproliferative syndrome, type III caused by mutation in PRKCD. Last evaluated: 2021-07-02. Review status: criteria provided, single submitter. Criteria: Invitae Variant Classification Sherloc (09022015). Collection method: clinical testing. Allele origin: germline.
Comment: This sequence change replaces asparagine with serine at codon 193 of the PRKCD protein (p.Asn193Ser). The asparagine residue is highly conserved and there is a small physicochemical difference between asparagine and serine. This variant is not present in population databases (ExAC no frequency). This variant has not been reported in the literature in individuals affected with PRKCD-related conditions. Algorithms developed to predict the effect of missense changes on protein structure and function (SIFT, PolyPhen-2, Align-GVGD) all suggest that this variant is likely to be disruptive. In summary, the available evidence is currently insufficient to determine the role of this variant in disease. Therefore, it has been classified as a Variant of Uncertain Significance.

NM_006254.4(PRKCD):c.578A>G (p.Asn193Ser)

Gene: PRKCD (protein kinase C delta; plus strand). Cytogenetic location: 3p21.1.
Variant type: single nucleotide variant.
Coding change: c.578A>G on transcript NM_006254.4 (MANE Select); coding-DNA position 578, A replaced by G.
Protein change: p.Asn193Ser; replaces asparagine 193 with serine.
Molecular consequence: missense variant.
Genome position (GRCh38, 1-based): chr3:53,183,127, A>G. VCF-style: chr3-53183127-A-G. GRCh37 (hg19) VCF-style: chr3-53217143-A-G.
Other names: c.578A>G, p.Asn193Ser (NM_001316327.2, NM_001354679.2, NM_001354680.2 and 1 more transcripts); c.635A>G, p.Asn212Ser (NM_001354676.2); c.626A>G, p.Asn209Ser (NM_001354678.2); short protein forms N193S, N209S, N212S.
Identifiers: ClinVar variation 1404001 (VCV001404001.8), dbSNP rs2107267626, ClinGen allele CA353219721.
Genomic context (GRCh38, chr3:53,183,127, plus strand): 5'-CTCTGCCCCTCCCGGTGCTTTCCCTTCCCCCTCCTGGGCCTGTGCCTCTTCAAGAATGTA[A>G]CGCTGCCATCCACAAGAAATGCATCGACAAGATCATCGGCAGATGCACTGGCACCGCGGC-3'
Protein context (NP_006245.2, residues 183-203): NKQGYKCRQC[Asn193Ser]AAIHKKCIDK